The following is an entry in ClinVar:

ClinVar aggregate classification (germline): Uncertain significance (1 of 4 stars; one submission).

Allele frequency attached by ClinVar (database versions not stated): gnomAD exomes below 0.00001.
gnomAD v4.1: 1 of 1,614,056 alleles (0.000062%); highest among the groups gnomAD compares: Non-Finnish European, 0.000085%; no homozygotes.

Submission:

CeGaT Center for Human Genetics Tuebingen
Classification: Uncertain significance. Last evaluated: 2022-06-01. Review status: criteria provided, single submitter. Criteria: CeGaT Center For Human Genetics Tuebingen Variant Classification Criteria Version 2. Collection method: clinical testing. Allele origin: germline. Affected: yes. Observed: 1 variant allele.
Comment: SMARCA2: PS2:Moderate, PP2

NM_003070.5(SMARCA2):c.4528G>C (p.Glu1510Gln)

Gene: SMARCA2 (SWI/SNF related BAF chromatin remodeling complex subunit ATPase 2; plus strand). Cytogenetic location: 9p24.3.
Variant type: single nucleotide variant.
Coding change: c.4528G>C on transcript NM_003070.5 (MANE Select); coding-DNA position 4528, G replaced by C.
Protein change: p.Glu1510Gln; replaces glutamic acid 1510 with glutamine.
Molecular consequence: missense variant.
Genome position (GRCh38, 1-based): chr9:2,186,162, G>C. VCF-style: chr9-2186162-G-C. GRCh37 (hg19) VCF-style: chr9-2186162-G-C.
Other names: c.4528G>C, p.Glu1510Gln (NM_001289396.2); c.4300G>C, p.Glu1434Gln (NM_001289397.2); c.502G>C, p.Glu168Gln (NM_001289398.2); c.586G>C, p.Glu196Gln (NM_001289399.2); c.592G>C, p.Glu198Gln (NM_001289400.2); c.4474G>C, p.Glu1492Gln (NM_139045.4); short protein forms E1434Q, E1492Q, E1510Q, E168Q, E196Q, E198Q.
Identifiers: ClinVar variation 1695242 (VCV001695242.30), dbSNP rs2129941206, ClinGen allele CA372791248.